The following is an entry in ClinVar:

NM_015915.5(ATL1):c.34+3G>C

Genes: ATL1 (atlastin GTPase 1; plus strand), MAP4K5 (mitogen-activated protein kinase kinase kinase kinase 5; minus strand). Cytogenetic location: 14q22.1.
Variant type: single nucleotide variant.
Coding change: c.34+3G>C on transcript NM_015915.5 (MANE Select); 3 bases into the intron after coding-DNA position 34, G replaced by C.
Molecular consequence: intron variant.
Genome position (GRCh38, 1-based): chr14:50,560,302, G>C. VCF-style: chr14-50560302-G-C. GRCh37 (hg19) VCF-style: chr14-51027020-G-C.
Other names: c.34+3G>C (NM_001127713.1, NM_181598.4).
Identifiers: ClinVar variation 2009060 (VCV002009060.4), dbSNP rs2038820410, ClinGen allele CA2580088210.

ClinVar aggregate classification (germline): Uncertain significance (1 of 4 stars; one submission).

Conditions:
Hereditary spastic paraplegia 3A (SPG3A). Also called: Spastic Paraplegia 3A; SPASTIC PARAPLEGIA 3, AUTOSOMAL DOMINANT; FAMILIAL SPASTIC PARAPLEGIA, AUTOSOMAL DOMINANT, 1; SPG3; STRUMPELL DISEASE; Spastic paraplegia 3A, autosomal dominant. Identifiers: Orphanet 100984, MedGen C2931355, MONDO:0008437, OMIM 182600.

Submission:

Labcorp Genetics (formerly Invitae), Labcorp
Classification: Uncertain significance for Hereditary spastic paraplegia 3A. Last evaluated: 2022-06-22. Review status: criteria provided, single submitter. Criteria: Invitae Variant Classification Sherloc (09022015). Collection method: clinical testing. Allele origin: germline.
Comment: Variants that disrupt the consensus splice site are a relatively common cause of aberrant splicing (PMID: 17576681, 9536098). Algorithms developed to predict the effect of sequence changes on RNA splicing suggest that this variant may create or strengthen a splice site. This sequence change falls in intron 1 of the ATL1 gene. It does not directly change the encoded amino acid sequence of the ATL1 protein. It affects a nucleotide within the consensus splice site. This variant is not present in population databases (gnomAD no frequency). This variant has not been reported in the literature in individuals affected with ATL1-related conditions. In summary, the available evidence is currently insufficient to determine the role of this variant in disease. Therefore, it has been classified as a Variant of Uncertain Significance.

Literature cited by the submitters: PubMed 17576681; PubMed 9536098.